The following is an entry in ClinVar:

NM_015141.4(GPD1L):c.11C>T (p.Ala4Val)

Genes: GPD1L (glycerol-3-phosphate dehydrogenase 1 like; plus strand), LOC129936414 (ATAC-STARR-seq lymphoblastoid silent region 14165; plus strand). Cytogenetic location: 3p22.3.
Variant type: single nucleotide variant.
Coding change: c.11C>T on transcript NM_015141.4 (MANE Select); coding-DNA position 11, C replaced by T.
Protein change: p.Ala4Val; replaces alanine 4 with valine.
Molecular consequence: missense variant.
Genome position (GRCh38, 1-based): chr3:32,106,722, C>T. VCF-style: chr3-32106722-C-T. GRCh37 (hg19) VCF-style: chr3-32148214-C-T.
Other names: short protein forms A4V.
Identifiers: ClinVar variation 666385 (VCV000666385.5), dbSNP rs201152084, ClinGen allele CA2296530.

ClinVar aggregate classification (germline): Conflicting classifications of pathogenicity. Review status: criteria provided, conflicting classifications (1 of 4 stars). 2 submissions from 2 submitters: Uncertain significance (1); Likely benign (1). Last evaluated 2025-02-07.

Conditions:
Brugada syndrome. Also called: Sudden unexpected nocturnal death syndrome; Sudden Unexplained Death Syndrome; Sudden Unexplained Nocturnal Death Syndrome (SUNDS); Sudden unexplained nocturnal death syndrome. Identifiers: Orphanet 130, MedGen C1142166, MONDO:0015263.
Cardiovascular phenotype. Identifiers: MedGen CN230736.

Allele frequency attached by ClinVar (database versions not stated): ExAC 0.00002; TOPMed 0.00002; gnomAD 0.00003; 1000 Genomes Project 0.00020; 1000 Genomes Project 30x 0.00031.
gnomAD v4.1: 48 of 1,563,388 alleles (0.0031%); highest among the groups gnomAD compares: Non-Finnish European, 0.004%; no homozygotes.

Submissions (2):

Ambry Genetics
Classification: Likely benign for Cardiovascular phenotype. Last evaluated: 2025-02-07. Review status: criteria provided, single submitter. Criteria: Ambry Variant Classification Scheme 2023. Collection method: clinical testing. Allele origin: germline.

Labcorp Genetics (formerly Invitae), Labcorp
Classification: Uncertain significance for Brugada syndrome. Last evaluated: 2021-11-08. Review status: criteria provided, single submitter. Criteria: Invitae Variant Classification Sherloc (09022015). Collection method: clinical testing. Allele origin: germline.
Comment: This sequence change replaces alanine, which is neutral and non-polar, with valine, which is neutral and non-polar, at codon 4 of the GPD1L protein (p.Ala4Val). The frequency data for this variant in the population databases is considered unreliable, as metrics indicate poor data quality at this position in the gnomAD database. This variant has not been reported in the literature in individuals affected with GPD1L-related conditions. ClinVar contains an entry for this variant (Variation ID: 666385). Algorithms developed to predict the effect of missense changes on protein structure and function (SIFT, PolyPhen-2, Align-GVGD) all suggest that this variant is likely to be tolerated. Algorithms developed to predict the effect of sequence changes on RNA splicing suggest that this variant may create or strengthen a splice site. In summary, the available evidence is currently insufficient to determine the role of this variant in disease. Therefore, it has been classified as a Variant of Uncertain Significance.